The following is an entry in ClinVar:

ClinVar aggregate classification (germline): Likely pathogenic (1 of 4 stars; one submission).

Conditions:
Bernard Soulier syndrome (BSS). Also called: Platelet Glycoprotein 1b, Deficiency of; BLEEDING DISORDER, PLATELET-TYPE, 1; PLATELET GLYCOPROTEIN Ib DEFICIENCY; VON WILLEBRAND FACTOR RECEPTOR DEFICIENCY; GLYCOPROTEIN Ib, PLATELET, DEFICIENCY OF; Giant platelet syndrome. Identifiers: Orphanet 274, MedGen C0005129, MeSH D001606, MONDO:0009276, OMIM 231200.

Submission:

ISTH-SSC Genomics in Thrombosis and Hemostasis, KU Leuven, Center for Molecular and Vascular Biology
Classification: Likely pathogenic for Bernard Soulier syndrome. Review status: criteria provided, single submitter. Criteria: ACMG Guidelines, 2015. Collection method: clinical testing. Allele origin: germline. Affected: yes. Observed: 1 heterozygote.
Comment: Submitted to GoldVariant by Kathleen Freson, Center for Molecular and Vascular Biology, Leuven, Belgium

NM_000407.5(GP1BB):c.462_511del (p.Gln154fs)

Genes: GP1BB (glycoprotein Ib platelet subunit beta; plus strand), SEPT5-GP1BB (SEPT5-GP1BB readthrough; plus strand). Cytogenetic location: 22q11.21.
Variant type: Deletion.
Coding change: c.462_511del on transcript NM_000407.5 (MANE Select); coding-DNA positions 462 to 511, 50 bases deleted.
Protein change: p.Gln154fs; shifts the reading frame from glutamine 154.
Molecular consequence: frameshift variant. On other transcripts: non-coding transcript variant (2).
Genome position (GRCh38, 1-based): chr22:19,724,305-19,724,354, 50 bases deleted. GRCh37 (hg19): chr22:19,711,828-19,711,877.
Other names: short protein forms Q154fs.
Identifiers: ClinVar variation 1703860 (VCV001703860.1), dbSNP rs2517805526, ClinGen allele CA2580099103.